The following is an entry in ClinVar:

ClinVar aggregate classification (germline): Pathogenic (0 of 4 stars; one submission).

Conditions:
CNOT3-related disorder. Also called: CNOT3-related condition.

Submission:

PreventionGenetics, part of Exact Sciences
Classification: Pathogenic for CNOT3-related condition. Last evaluated: 2024-06-20. Review status: no assertion criteria provided. Collection method: clinical testing. Allele origin: germline.
Comment: The CNOT3 c.2017_2019delTTC variant is predicted to result in an in-frame deletion (p.Phe673del). This variant has not been reported in a large population database, indicating this variant is rare. This variant is interpreted as pathogenic.

NM_014516.4(CNOT3):c.2014TTC[1] (p.Phe673del)

Gene: CNOT3 (CCR4-NOT transcription complex subunit 3; plus strand). Cytogenetic location: 19q13.42.
Variant type: Microsatellite.
Coding change: c.2014TTC[1] on transcript NM_014516.4 (MANE Select); one copy of the 3-base unit TTC starting at c.2014; the reference has two copies in a row; one copy, 3 bases deleted.
Protein change: p.Phe673del; deletes phenylalanine 673.
Molecular consequence: inframe deletion.
Genome position (GRCh38, 1-based): chr19:54,152,979-54,152,981, TTC deleted; deleting any 3 consecutive bases within chr19:54,152,974-54,152,981 gives the same sequence; the position shown is the placement nearest the transcript's 3' end. VCF-style (leftmost placement, unchanged base first): chr19-54152973-CTCT-C. GRCh37 (hg19) VCF-style: chr19-54656710-CTCT-C.
Other names: short protein forms F673del.
Identifiers: ClinVar variation 3347417 (VCV003347417.1).